The following is an entry in ClinVar:

ClinVar aggregate classification (germline): Likely pathogenic (1 of 4 stars; one submission).

Conditions:
Tay-Sachs disease (TSD). Also called: Hexosaminidase A Deficiency; HEXA Disorders; GM2 gangliosidosis, type 1; Hexosaminidase alpha-subunit deficiency (variant B); Sphingolipidosis, Tay-Sachs; HEXA DEFICIENCY. Identifiers: Orphanet 845, MedGen C0039373, MONDO:0010100, OMIM 272800.

Submission:

Myriad Genetics, Inc.
Classification: Likely pathogenic for Tay-Sachs disease. Last evaluated: 2020-03-06. Review status: criteria provided, single submitter. Criteria: Myriad Women's Health Autosomal Recessive and X-Linked Classification Criteria (2019). Collection method: clinical testing. Allele origin: unknown.
Comment: NM_000520.4(HEXA):c.1024A>T(K342*) is expected to be pathogenic in the context of hexosaminidase A deficiency. This variant is predicted to lead to an abnormal or absent protein product due to the creation of a premature termination codon in HEXA, a gene where loss-of-function variants are known to be pathogenic. Please note: this variant was assessed in the context of healthy population screening.

NM_000520.6(HEXA):c.1024A>T (p.Lys342Ter)

Gene: HEXA (hexosaminidase subunit alpha; minus strand). Cytogenetic location: 15q23.
Variant type: single nucleotide variant.
Coding change: c.1024A>T on transcript NM_000520.6 (MANE Select); coding-DNA position 1024, A replaced by T.
Protein change: p.Lys342Ter; replaces lysine 342 with a stop codon.
Molecular consequence: nonsense. On other transcripts: non-coding transcript variant (1).
Genome position (GRCh38, 1-based): chr15:72,348,097, T>A on the plus strand (A>T on the coding strand, the complement: HEXA is on the minus strand). VCF-style: chr15-72348097-T-A. GRCh37 (hg19) VCF-style: chr15-72640438-T-A.
Other names: c.1057A>T, p.Lys353Ter (NM_001318825.2); short protein forms K342*, K353*.
Identifiers: ClinVar variation 984036 (VCV000984036.3), dbSNP rs1322698222, ClinGen allele CA393061929.